The following is an entry in ClinVar:

ClinVar aggregate classification (germline): Pathogenic. Review status: criteria provided, multiple submitters, no conflicts (2 of 4 stars). 4 submissions from 4 submitters: Pathogenic (4). Last evaluated 2024-09-13.

Conditions:
CBS-related disorder. Also called: CBS-related condition.
Classic homocystinuria. Also called: Homocystinuria due to CBS deficiency; Cystathionine beta-synthase deficiency; CBS deficiency; HOMOCYSTINURIA WITH OR WITHOUT RESPONSE TO PYRIDOXINE; Homocystinuria due to Cystathionine Beta-Synthase Deficiency. Identifiers: Orphanet 394, MedGen C0751202, MONDO:0009352, OMIM 236200.
HYPERHOMOCYSTEINEMIA, THROMBOTIC, CBS-RELATED. Identifiers: MedGen C3150344, OMIM 236200.

Submissions (4):

Blueprint Genetics
Classification: Pathogenic for CBS-related disorders. Last evaluated: 2024-09-13. Review status: criteria provided, single submitter. Criteria: ACMG Guidelines, 2015. Collection method: clinical testing. Allele origin: germline. Affected: yes. Observed: 3 variant alleles.

Baylor Genetics
Classification: Pathogenic for Classic homocystinuria. Last evaluated: 2024-01-23. Review status: criteria provided, single submitter. Criteria: ACMG Guidelines, 2015. Collection method: clinical testing. Allele origin: unknown.

Labcorp Genetics (formerly Invitae), Labcorp
Classification: Pathogenic for HYPERHOMOCYSTEINEMIA, THROMBOTIC, CBS-RELATED. Last evaluated: 2023-05-19. Review status: criteria provided, single submitter. Criteria: Invitae Variant Classification Sherloc (09022015). Collection method: clinical testing. Allele origin: germline.
Comment: For these reasons, this variant has been classified as Pathogenic. ClinVar contains an entry for this variant (Variation ID: 859549). This premature translational stop signal has been observed in individual(s) with homocystinuria due to CBS deficiency (PMID: 25218699). This variant is present in population databases (rs748695461, gnomAD 0.01%). This sequence change creates a premature translational stop signal (p.Gln7Argfs*75) in the CBS gene. It is expected to result in an absent or disrupted protein product. Loss-of-function variants in CBS are known to be pathogenic (PMID: 10338090, 12124992).

Institute of Medical Genetics and Applied Genomics, University Hospital Tübingen
Classification: Pathogenic. Last evaluated: 2021-02-01. Review status: criteria provided, single submitter. Criteria: ACMG Guidelines, 2015. Collection method: clinical testing. Allele origin: germline. Inheritance: Autosomal recessive inheritance. Affected: yes.

Literature cited by the submitters: PubMed 25218699 (cited by Labcorp Genetics (formerly Invitae), Labcorp); PubMed 10338090 (cited by Labcorp Genetics (formerly Invitae), Labcorp); PubMed 12124992 (cited by Labcorp Genetics (formerly Invitae), Labcorp).

NM_000071.3(CBS):c.19del (p.Gln7fs)

Gene: CBS (cystathionine beta-synthase; minus strand). Cytogenetic location: 21q22.3.
Variant type: Deletion.
Coding change: c.19del on transcript NM_000071.3 (MANE Select); coding-DNA position 19, one base deleted (C; older notation c.19delC).
Protein change: p.Gln7fs; shifts the reading frame from glutamine 7.
Molecular consequence: frameshift variant.
Genome position (GRCh38, 1-based): chr21:43,072,175, G deleted on the plus strand (C on the coding strand, the reverse complement: CBS is on the minus strand); the first of 6 consecutive G bases (chr21:43,072,175-43,072,180); deleting any one gives the same sequence. VCF-style (leftmost placement, unchanged base first): chr21-43072174-TG-T. GRCh37 (hg19) VCF-style: chr21-44492284-TG-T.
Other names: c.19del, p.Gln7fs (NM_001178008.3, NM_001178009.3, NM_001320298.2); short protein forms Q7fs.
Identifiers: ClinVar variation 859549 (VCV000859549.16), dbSNP rs748695461, ClinGen allele CA321104198.